The following is an entry in ClinVar:

ClinVar aggregate classification (germline): Conflicting classifications of pathogenicity. Review status: criteria provided, conflicting classifications (1 of 4 stars). 3 submissions from 3 submitters: Uncertain significance (1); Likely benign (2). Last evaluated 2025-03-22.

Conditions:
Long QT syndrome (LQTS). Identifiers: MedGen C0023976, MeSH D008133, MONDO:0002442. Disease mechanism: loss of function. Inheritance: Various modes of inheritance.
Cardiovascular phenotype. Identifiers: MedGen CN230736.

Allele frequency attached by ClinVar (database versions not stated): gnomAD exomes 0.00001; TOPMed 0.00001; gnomAD 0.00002; ExAC 0.00010.
gnomAD v4.1: 19 of 1,613,924 alleles (0.0012%); highest among the groups gnomAD compares: Admixed American, 0.028%; no homozygotes.

Submissions (3):

Ambry Genetics
Classification: Likely benign for Cardiovascular phenotype. Last evaluated: 2025-03-22. Review status: criteria provided, single submitter. Criteria: Ambry Variant Classification Scheme 2023. Collection method: clinical testing. Allele origin: germline.

Women's Health and Genetics/Laboratory Corporation of America, LabCorp
Classification: Likely benign. Last evaluated: 2024-02-12. Review status: criteria provided, single submitter. Criteria: LabCorp Variant Classification Summary - May 2015. Collection method: clinical testing. Allele origin: germline.

Labcorp Genetics (formerly Invitae), Labcorp
Classification: Uncertain significance for Long QT syndrome. Last evaluated: 2022-10-24. Review status: criteria provided, single submitter. Criteria: Invitae Variant Classification Sherloc (09022015). Collection method: clinical testing. Allele origin: germline.
Comment: In summary, the available evidence is currently insufficient to determine the role of this variant in disease. Therefore, it has been classified as a Variant of Uncertain Significance. Advanced modeling of protein sequence and biophysical properties (such as structural, functional, and spatial information, amino acid conservation, physicochemical variation, residue mobility, and thermodynamic stability) performed at Invitae indicates that this missense variant is not expected to disrupt ANK2 protein function. This variant has not been reported in the literature in individuals affected with ANK2-related conditions. This variant is present in population databases (rs770636500, gnomAD 0.03%). This sequence change replaces aspartic acid, which is acidic and polar, with tyrosine, which is neutral and polar, at codon 924 of the ANK2 protein (p.Asp924Tyr).

NM_001148.6(ANK2):c.2770G>T (p.Asp924Tyr)

Gene: ANK2 (ankyrin 2; plus strand). Cytogenetic location: 4q26.
Variant type: single nucleotide variant.
Coding change: c.2770G>T on transcript NM_001148.6 (MANE Select); coding-DNA position 2770, G replaced by T.
Protein change: p.Asp924Tyr; replaces aspartic acid 924 with tyrosine.
Molecular consequence: missense variant.
Genome position (GRCh38, 1-based): chr4:113,317,783, G>T. VCF-style: chr4-113317783-G-T. GRCh37 (hg19) VCF-style: chr4-114238939-G-T.
Other names: c.2707G>T, p.Asp903Tyr (NM_001127493.3, NM_001354243.2, NM_001354255.2 and 3 more transcripts); c.2782G>T, p.Asp928Tyr (NM_001354225.2); c.2770G>T, p.Asp924Tyr (NM_001354228.2, NM_001354232.2, NM_001354258.2 and 1 more transcripts); c.2812G>T, p.Asp938Tyr (NM_001354230.2, NM_001354231.2, NM_001354237.2 and 1 more transcripts); c.2767G>T, p.Asp923Tyr (NM_001354235.2, NM_001354236.2, NM_001354246.2 and 1 more transcripts); c.2704G>T, p.Asp902Tyr (NM_001354239.2, NM_001354244.2, NM_001354252.2 and 3 more transcripts); c.2815G>T, p.Asp939Tyr (NM_001354240.2, NM_001354241.2, NM_001386144.1); c.2671G>T, p.Asp891Tyr (NM_001354245.2, NM_001354268.2); and 17 more; short protein forms D857Y, D870Y, D891Y, D919Y, D951Y, D829Y, D890Y, D903Y.
Identifiers: ClinVar variation 1795811 (VCV001795811.9), dbSNP rs770636500, ClinGen allele CA3050662.